The following is an entry in ClinVar:

NM_004973.4(JARID2):c.1635C>T (p.Gly545=)

Gene: JARID2 (jumonji and AT-rich interaction domain containing 2; plus strand). Cytogenetic location: 6p22.3.
Variant type: single nucleotide variant.
Coding change: c.1635C>T on transcript NM_004973.4 (MANE Select); coding-DNA position 1635, C replaced by T.
Protein change: p.Gly545=; no amino-acid change (glycine 545 retained).
Molecular consequence: synonymous variant.
Genome position (GRCh38, 1-based): chr6:15,496,860, C>T. VCF-style: chr6-15496860-C-T. GRCh37 (hg19) VCF-style: chr6-15497091-C-T.
Other names: c.1119C>T, p.Gly373= (NM_001267040.1).
Identifiers: ClinVar variation 4534174 (VCV004534174.6).
Genomic context (GRCh38, chr6:15,496,860, plus strand): 5'-TTCTACCTCGCAACCGGAGTCCGTGCACAAGCCGCAGGACTCGGGCAAGGCCGAGAAGGG[C>T]GGCGGCAAGGCCGGGTGGGCGGCCATGGACGAGATCCCCGTCCTCAGGCCCTCCGCCAAG-3'
Protein context (NP_004964.2, residues 535-555): KPQDSGKAEK[Gly545=]GGKAGWAAMD

ClinVar aggregate classification (germline): Likely benign (1 of 4 stars; one submission).

gnomAD v4.1: 22 of 1,600,452 alleles (0.0014%); highest among the groups gnomAD compares: Admixed American, 0.0034%; no homozygotes.

Submission:

CeGaT Center for Human Genetics Tuebingen
Classification: Likely benign. Last evaluated: 2025-11-01. Review status: criteria provided, single submitter. Criteria: CeGaT Center For Human Genetics Tuebingen Variant Classification Criteria Version 2. Collection method: clinical testing. Allele origin: germline. Affected: yes. Observed: 1 variant allele.
Comment: JARID2: BP4, BP7